The following is an entry in ClinVar:

ClinVar aggregate classification (germline): Uncertain significance. Review status: criteria provided, multiple submitters, no conflicts (2 of 4 stars). 2 submissions from 2 submitters: Uncertain significance (2). Last evaluated 2023-05-26.

Conditions:
Hereditary cancer-predisposing syndrome. Also called: Neoplastic Syndromes, Hereditary; Tumor predisposition; Hereditary neoplastic syndrome; Hereditary Cancer Syndrome. Identifiers: Orphanet 140162, MedGen C0027672, MeSH D009386, MONDO:0015356.
Familial adenomatous polyposis 1 (FAP1). Also called: FAMILIAL ADENOMATOUS POLYPOSIS 1, ATTENUATED; POLYPOSIS, ADENOMATOUS INTESTINAL. Identifiers: MedGen C2713442, MONDO:0021056, OMIM 175100. Disease mechanism: loss of function.

Submissions (2):

Labcorp Genetics (formerly Invitae), Labcorp
Classification: Uncertain significance for Familial adenomatous polyposis 1. Last evaluated: 2023-05-26. Review status: criteria provided, single submitter. Criteria: Invitae Variant Classification Sherloc (09022015). Collection method: clinical testing. Allele origin: germline.
Comment: In summary, the available evidence is currently insufficient to determine the role of this variant in disease. Therefore, it has been classified as a Variant of Uncertain Significance. Advanced modeling of protein sequence and biophysical properties (such as structural, functional, and spatial information, amino acid conservation, physicochemical variation, residue mobility, and thermodynamic stability) performed at Invitae indicates that this missense variant is not expected to disrupt APC protein function. ClinVar contains an entry for this variant (Variation ID: 1387475). This variant has not been reported in the literature in individuals affected with APC-related conditions. This variant is not present in population databases (gnomAD no frequency). This sequence change replaces glutamine, which is neutral and polar, with glutamic acid, which is acidic and polar, at codon 1996 of the APC protein (p.Gln1996Glu).

Ambry Genetics
Classification: Uncertain significance for Hereditary cancer-predisposing syndrome. Last evaluated: 2021-03-29. Review status: criteria provided, single submitter. Criteria: Ambry Variant Classification Scheme 2023. Collection method: clinical testing. Allele origin: germline.
Comment: The p.Q1996E variant (also known as c.5986C>G), located in coding exon 15 of the APC gene, results from a C to G substitution at nucleotide position 5986. The glutamine at codon 1996 is replaced by glutamic acid, an amino acid with highly similar properties. This amino acid position is well conserved in available vertebrate species. In addition, in silico predictors for this gene do not accurately predict pathogenicity. Since supporting evidence is limited at this time, the clinical significance of this alteration remains unclear.

NM_000038.6(APC):c.5986C>G (p.Gln1996Glu)

Gene: APC (APC regulator of Wnt signaling pathway; plus strand). Cytogenetic location: 5q22.2.
Variant type: single nucleotide variant.
Coding change: c.5986C>G on transcript NM_000038.6 (MANE Select); coding-DNA position 5986, C replaced by G.
Protein change: p.Gln1996Glu; replaces glutamine 1996 with glutamic acid.
Molecular consequence: missense variant.
Genome position (GRCh38, 1-based): chr5:112,841,580, C>G. VCF-style: chr5-112841580-C-G. GRCh37 (hg19) VCF-style: chr5-112177277-C-G.
Other names: c.5986C>G, p.Gln1996Glu (NM_001127510.3, NM_001354895.2); c.5932C>G, p.Gln1978Glu (NM_001127511.3); c.6040C>G, p.Gln2014Glu (NM_001354896.2); c.6016C>G, p.Gln2006Glu (NM_001354897.2); c.5911C>G, p.Gln1971Glu (NM_001354898.2); c.5902C>G, p.Gln1968Glu (NM_001354899.2); c.5863C>G, p.Gln1955Glu (NM_001354900.2); c.5809C>G, p.Gln1937Glu (NM_001354901.2); and 5 more; short protein forms Q1713E, Q1895E, Q1937E, Q1968E, Q1971E, Q1978E, Q1996E, Q2006E.
Identifiers: ClinVar variation 1387475 (VCV001387475.8), dbSNP rs2149954246, ClinGen allele CA16034434.